The following is an entry in ClinVar:

NM_000400.4(ERCC2):c.694G>A (p.Val232Ile)

Gene: ERCC2 (ERCC excision repair 2, TFIIH core complex helicase subunit; minus strand). Cytogenetic location: 19q13.32.
Variant type: single nucleotide variant.
Coding change: c.694G>A on transcript NM_000400.4 (MANE Select); coding-DNA position 694, G replaced by A.
Protein change: p.Val232Ile; replaces valine 232 with isoleucine.
Molecular consequence: missense variant.
Genome position (GRCh38, 1-based): chr19:45,364,448, C>T on the plus strand (G>A on the coding strand, the complement: ERCC2 is on the minus strand). VCF-style: chr19-45364448-C-T. GRCh37 (hg19) VCF-style: chr19-45867706-C-T.
Other names: c.622G>A, p.Val208Ile (NM_001130867.2); short protein forms V208I, V232I.
Identifiers: ClinVar variation 1756288 (VCV001756288.2), dbSNP rs1392388856, ClinGen allele CA406374323.
Genomic context (GRCh38, chr19:45,364,448, plus strand): 5'-GGCTGGCATCCCTTTGGCCCCTGGCGCCCCCCTCACCAATGTTGTGGGCCTCGTCGAAGA[C>T]CACGACGGCCTTGCGGGCCAGTTCCTTGGACACCAGGTCTGCAATCTTGGGGTCCAGGAG-3'
Protein context (NP_000391.1, residues 222-242): SKELARKAVV[Val232Ile]FDEAHNIDNV

ClinVar aggregate classification (germline): Uncertain significance (1 of 4 stars; one submission).

Conditions:
Inborn genetic diseases. Identifiers: MedGen C0950123, MeSH D030342.

Allele frequency attached by ClinVar (database versions not stated): gnomAD 0.00001; TOPMed 0.00001.
gnomAD v4.1: 1 of 1,613,882 alleles (0.000062%); highest among the groups gnomAD compares: Non-Finnish European, 0.000085%; no homozygotes.

Submission:

Ambry Genetics
Classification: Uncertain significance for Inborn genetic diseases. Last evaluated: 2021-10-29. Review status: criteria provided, single submitter. Criteria: Ambry Variant Classification Scheme 2023. Collection method: clinical testing. Allele origin: germline.
Comment: The p.V232I variant (also known as c.694G>A), located in coding exon 8 of the ERCC2 gene, results from a G to A substitution at nucleotide position 694. The valine at codon 232 is replaced by isoleucine, an amino acid with highly similar properties. This amino acid position is conserved. In addition, the in silico prediction for this alteration is inconclusive. Since supporting evidence is limited at this time, the clinical significance of this alteration remains unclear.